The following is an entry in ClinVar:

NM_152564.5(VPS13B):c.11273C>T (p.Ala3758Val)

Gene: VPS13B (vacuolar protein sorting 13 homolog B; plus strand). Cytogenetic location: 8q22.2.
Variant type: single nucleotide variant.
Coding change: c.11273C>T on transcript NM_152564.5 (MANE Select); coding-DNA position 11273, C replaced by T.
Protein change: p.Ala3758Val; replaces alanine 3758 with valine.
Molecular consequence: missense variant.
Genome position (GRCh38, 1-based): chr8:99,868,346, C>T. VCF-style: chr8-99868346-C-T. GRCh37 (hg19) VCF-style: chr8-100880574-C-T.
Other names: c.11348C>T, p.Ala3783Val (NM_017890.5); short protein forms A3758V, A3783V.
Identifiers: ClinVar variation 4993191 (VCV004993191.1).
Genomic context (GRCh38, chr8:99,868,346, plus strand): 5'-CAGGTGCAATTGCTGGTATAGTTGATCAGCCGATGCAGAACTTCCAGAAAACATCTGAGG[C>T]ACAGGCTTCAGCAGGACACAAGGCCAAGGGTGTCATCTCGGGTGTGGGGAAAGGAATCAT-3'
Protein context (NP_689777.3, residues 3748-3768): PMQNFQKTSE[Ala3758Val]QASAGHKAKG

ClinVar aggregate classification (germline): Uncertain significance (1 of 4 stars; one submission).

Conditions:
VPS13B-related disorder. Also called: VPS13B-related condition.

gnomAD v4.1: 1 of 1,614,128 alleles (0.000062%); highest among the groups gnomAD compares: Non-Finnish European, 0.000085%; no homozygotes.

Submission:

PreventionGenetics, part of Exact Sciences
Classification: Uncertain significance for VPS13B-related condition. Last evaluated: 2026-02-06. Review status: criteria provided, single submitter. Criteria: ACMG Guidelines, 2015. Collection method: clinical testing. Allele origin: germline.
Comment: The VPS13B c.11273C>T variant is predicted to result in the amino acid substitution p.Ala3758Val. To our knowledge, this variant has not been reported in the literature. This variant is reported in 0.00088% of alleles in individuals of European (Non-Finnish) descent in gnomAD. At this time, the clinical significance of this variant is uncertain due to the absence of conclusive functional and genetic evidence.